The following is an entry in ClinVar:

NM_001256789.3(CACNA1F):c.901G>C (p.Gly301Arg)

Gene: CACNA1F (calcium voltage-gated channel subunit alpha1 F; minus strand). Cytogenetic location: Xp11.23.
Variant type: single nucleotide variant.
Coding change: c.901G>C on transcript NM_001256789.3 (MANE Select); coding-DNA position 901, G replaced by C.
Protein change: p.Gly301Arg; replaces glycine 301 with arginine.
Molecular consequence: missense variant.
Genome position (GRCh38, 1-based): chrX:49,228,364, C>G on the plus strand (G>C on the coding strand, the complement: CACNA1F is on the minus strand). VCF-style: chrX-49228364-C-G. GRCh37 (hg19) VCF-style: chrX-49084826-C-G.
Other names: c.706G>C, p.Gly236Arg (NM_001256790.3); c.901G>C, p.Gly301Arg (NM_005183.4); short protein forms G236R, G301R.
Identifiers: ClinVar variation 2868375 (VCV002868375.3), dbSNP rs1557110517, ClinGen allele CA412922987.

ClinVar aggregate classification (germline): Uncertain significance (1 of 4 stars; one submission).

gnomAD v4.1: 2 of 1,210,530 alleles (0.00017%); highest among the groups gnomAD compares: Admixed American, 0.0022%; no homozygotes.

Submission:

Labcorp Genetics (formerly Invitae), Labcorp
Classification: Uncertain significance. Last evaluated: 2023-06-21. Review status: criteria provided, single submitter. Criteria: Invitae Variant Classification Sherloc (09022015). Collection method: clinical testing. Allele origin: germline.
Comment: In summary, the available evidence is currently insufficient to determine the role of this variant in disease. Therefore, it has been classified as a Variant of Uncertain Significance. Advanced modeling of protein sequence and biophysical properties (such as structural, functional, and spatial information, amino acid conservation, physicochemical variation, residue mobility, and thermodynamic stability) performed at Invitae indicates that this missense variant is not expected to disrupt CACNA1F protein function. This variant has not been reported in the literature in individuals affected with CACNA1F-related conditions. The frequency data for this variant in the population databases is considered unreliable, as metrics indicate poor data quality at this position in the gnomAD database. This sequence change replaces glycine, which is neutral and non-polar, with arginine, which is basic and polar, at codon 301 of the CACNA1F protein (p.Gly301Arg).